The following is an entry in ClinVar:

NM_000719.7(CACNA1C):c.5329C>G (p.Arg1777Gly)

Genes: CACNA1C (calcium voltage-gated channel subunit alpha1 C; plus strand), CACNA1C-AS1 (CACNA1C antisense RNA 1; minus strand). Cytogenetic location: 12p13.33.
Variant type: single nucleotide variant.
Coding change: c.5329C>G on transcript NM_000719.7 (MANE Select); coding-DNA position 5329, C replaced by G.
Protein change: p.Arg1777Gly; replaces arginine 1777 with glycine.
Molecular consequence: missense variant.
Genome position (GRCh38, 1-based): chr12:2,679,681, C>G. VCF-style: chr12-2679681-C-G. GRCh37 (hg19) VCF-style: chr12-2788847-C-G.
Other names: c.5347C>G, p.Arg1783Gly (NM_001129839.2); c.5329C>G, p.Arg1777Gly (NM_001129840.2, NM_001129841.2, NM_001129842.2 and 4 more transcripts); c.5320C>G, p.Arg1774Gly (NM_001129844.2); c.5296C>G, p.Arg1766Gly (NM_001129846.2, NM_001167625.2); c.5473C>G, p.Arg1825Gly (NM_199460.4, NM_001129827.2); c.5452C>G, p.Arg1818Gly (NM_001129829.2); c.5413C>G, p.Arg1805Gly (NM_001129831.2); c.5389C>G, p.Arg1797Gly (NM_001129832.2); and 3 more; short protein forms R1766G, R1774G, R1777G, R1783G, R1785G, R1794G, R1796G, R1797G.
Identifiers: ClinVar variation 5018958 (VCV005018958.2).
Genomic context (GRCh38, chr12:2,679,681, plus strand): 5'-AGCTACTCGTCCACCGGCTCCAACGCCAACATCAACAACGCCAACAACACCGCCCTGGGT[C>G]GCCTCCCTCGCCCCGCCGGCTACCCCAGCACGGTCAGCACTGTGGAGGGCCACGGGCCCC-3'
Protein context (NP_000710.5, residues 1767-1787): INNANNTALG[Arg1777Gly]LPRPAGYPST

ClinVar aggregate classification (germline): Uncertain significance (1 of 4 stars; one submission).

Conditions:
Neurodevelopmental disorder with hypotonia, language delay, and skeletal defects with or without seizures (NEDHLSS). Identifiers: MedGen C5774213, MONDO:0859286, OMIM 620029.
Long QT syndrome 8. Identifiers: MedGen CN260585, MONDO:0032756, OMIM 618447.
Timothy syndrome (TS). Also called: LONG QT SYNDROME WITH SYNDACTYLY. Identifiers: Orphanet 65283, MedGen C1832916, MeSH C536962, MONDO:0010979, OMIM 601005.
Brugada syndrome 3 (BRGDA3). Identifiers: Orphanet 130, MedGen C2678478, MONDO:0012742, OMIM 611875.

Submission:

Juno Genomics, Hangzhou Juno Genomics, Inc
Classification: Uncertain significance for Brugada syndrome 3; Long QT syndrome 8; Neurodevelopmental disorder with hypotonia, language delay, and skeletal defects with or without seizures; Timothy syndrome. Review status: criteria provided, single submitter. Criteria: ACMG Guidelines, 2015. Collection method: clinical testing. Allele origin: germline.
Comment: Absent from controls (or at extremely low frequency if recessive) in Genome Aggregation Database.;Missense variant in a gene that has a low rate of benign missense variation.